The following is an entry in ClinVar:

NM_003072.5(SMARCA4):c.1083C>G (p.Leu361=)

Gene: SMARCA4 (SWI/SNF related BAF chromatin remodeling complex subunit ATPase 4; plus strand). Cytogenetic location: 19p13.2.
Variant type: single nucleotide variant.
Coding change: c.1083C>G on transcript NM_003072.5 (MANE Select); coding-DNA position 1083, C replaced by G.
Protein change: p.Leu361=; no amino-acid change (leucine 361 retained).
Molecular consequence: synonymous variant. On other transcripts: non-coding transcript variant (1).
Genome position (GRCh38, 1-based): chr19:10,987,889, C>G. VCF-style: chr19-10987889-C-G. GRCh37 (hg19) VCF-style: chr19-11098565-C-G.
Other names: c.1083C>G, p.Leu361= (NM_001128844.3, NM_001128845.2, NM_001128846.2 and 6 more transcripts).
Identifiers: ClinVar variation 4084185 (VCV004084185.8).
Genomic context (GRCh38, chr19:10,987,889, plus strand): 5'-CATGGTGCCACTGCACCAGAAGCAGAGCCGCATCACCCCCATCCAGAAGCCGCGGGGCCT[C>G]GACCCTGTGGAGATCCTGCAGGAGCGCGAGTACAGGTGAGGGCGGGGCCCAGTTGCCAAG-3'
Protein context (NP_003063.2, residues 351-371): RITPIQKPRG[Leu361=]DPVEILQERE

ClinVar aggregate classification (germline): Likely benign (1 of 4 stars; one submission).

Submission:

CeGaT Center for Human Genetics Tuebingen
Classification: Likely benign. Last evaluated: 2025-08-01. Review status: criteria provided, single submitter. Criteria: CeGaT Center For Human Genetics Tuebingen Variant Classification Criteria Version 2. Collection method: clinical testing. Allele origin: germline. Affected: yes. Observed: 1 variant allele.
Comment: SMARCA4: PM2:Supporting, BP4, BP7